The following is an entry in ClinVar:

ClinVar aggregate classification (germline): Benign. Review status: reviewed by expert panel (3 of 4 stars). 5 submissions from 5 submitters: Benign (1). 4 of the submissions do not count toward it. Last evaluated 2026-09-15.

Conditions:
Creatine deficiency syndrome 1.
Creatine transporter deficiency (CCDS1). Also called: Creatine Transporter (CRTR) Deficiency; CEREBRAL CREATINE DEFICIENCY SYNDROME 1; Mental retardation , X-linked with seizures, short stature and midface hypoplasia; Mental retardation , X-linked, with creatine transport deficiency; X-linked creatine transporter deficiency; X-linked creatine deficiency syndrome. Identifiers: Orphanet 52503, MedGen C1845862, MONDO:0010305, OMIM 300352.

Allele frequency attached by ClinVar (database versions not stated): gnomAD exomes 0.00002 and 0.00004; TOPMed 0.00003.
gnomAD v4.1: 46 of 1,073,321 alleles (0.0043%); highest among the groups gnomAD compares: Non-Finnish European, 0.0052%; no homozygotes.

Submissions (5):

ClinGen Cerebral Creatine Deficiency Syndromes Variant Curation Expert Panel, ClinGen
Classification: Benign for Creatine transporter deficiency. Last evaluated: 2026-09-15. Review status: reviewed by expert panel. Criteria: ClinGen CCDS ACMG Specifications SLC6A8 V2.1. Collection method: curation. Allele origin: germline. Inheritance: X-linked inheritance.
Comment: The NM_005629.4:c.76G>A variant in SLC6A8 is a missense variant predicted to cause the substitution of a glycine by an arginine at amino acid position 26 (p.Gly26Arg). This variant has been previously reported in one individual with intellectual disability (PMID:16738945) but without reported biochemical evidence of creatine transporter deficiency, such that neither PP4 nor PS4 is met. There are 17 total hemizygotes in gnomAD v4.1.0, which is higher than the ClinGen CCDS VCEP’s threshold for BA1 (≥10 total homo- and hemizygotes), and therefore meets this criterion (BA1). The computational predictor REVEL gives a score of 0.079 which is below the threshold of 0.20, and does not predict a damaging effect on SLC6A8 function (BP4). While functional studies have been published for this variant (PMID:17465020, 38070861), they do not meet the specifications required for functional studies by the ClinGen Cerebral Creatine Deficiency Syndromes Variant Curation Expert Panel (transport assays using <125uM creatine in SLC6A8-deficient fibroblasts), such that neither PS3 not BS3 is met. There is a ClinVar entry for this variant (Variation ID: 643295). In summary, this variant meets the criteria to be classified as benign for creatine transporter deficiency based on the SLC6A8-specific ACMG/AMP criteria applied, as specified by the ClinGen Cerebral Creatine Deficiency Syndromes Variant Curation Expert Panel (Specifications Version 2.1.0): BA1, BP4. (Classification approved by the ClinGen Cerebral Creatine Deficiency Syndromes Variant Curation Expert Panel on September 15, 2026)

Labcorp Genetics (formerly Invitae), Labcorp
Classification: Likely benign for Creatine transporter deficiency. Last evaluated: 2026-01-20. Review status: criteria provided, single submitter. Criteria: Invitae Variant Classification Sherloc (09022015). Collection method: clinical testing. Allele origin: germline. Not counted in ClinVar's aggregate classification.

GeneDx
Classification: Likely benign. Last evaluated: 2021-05-06. Review status: criteria provided, single submitter. Criteria: GeneDx Variant Classification Process June 2021. Collection method: clinical testing. Allele origin: germline. Affected: yes. Not counted in ClinVar's aggregate classification.
Comment: This variant is associated with the following publications: (PMID: 17465020, 23408511, 16738945)

Genetic Services Laboratory, University of Chicago
Classification: Uncertain significance. Last evaluated: 2021-01-27. Review status: criteria provided, single submitter. Criteria: ACMG Guidelines, 2015. Collection method: clinical testing. Allele origin: germline. Affected: no. Not counted in ClinVar's aggregate classification.
Comment: DNA sequence analysis of the SLC6A8 gene demonstrated a sequence change, c.76G>A, in exon 1 that results in an amino acid change, p.Gly26Arg. This sequence change has been described in the gnomAD database in two individuals with an overall population frequency of 0.003% (dbSNP NA). The p.Gly26Arg change has been described in one individual with intellectual disability (PMID: 16738945). Functional studies did not demonstrate a significant impact on SLC6A8 protein function in the presence of this sequence change (PMID: 17465020). The p.Gly26Arg change affects a poorly conserved amino acid residue located in a domain of the SLC6A8 protein that is not known to be functional. The p.Gly26Arg substitution appears to be benign using several in-silico pathogenicity prediction tools (SIFT, PolyPhen2, Align GVGD, REVEL). Due to these contrasting evidences and the lack of functional studies, the clinical significance of the p.Gly26Arg change remains unknown at this time.

Natera, Inc.
Classification: Likely benign for Creatine deficiency syndrome 1. Last evaluated: 2020-05-07. Review status: no assertion criteria provided. Collection method: clinical testing. Allele origin: germline. Not counted in ClinVar's aggregate classification.

NM_005629.4(SLC6A8):c.76G>A (p.Gly26Arg)

Gene: SLC6A8 (solute carrier family 6 member 8; plus strand). Cytogenetic location: Xq28.
Variant type: single nucleotide variant.
Coding change: c.76G>A on transcript NM_005629.4 (MANE Select); coding-DNA position 76, G replaced by A.
Protein change: p.Gly26Arg; replaces glycine 26 with arginine.
Molecular consequence: missense variant.
Genome position (GRCh38, 1-based): chrX:153,688,650, G>A. VCF-style: chrX-153688650-G-A. GRCh37 (hg19) VCF-style: chrX-152954105-G-A.
Other names: NM_005629.4(SLC6A8):c.76G>A; p.Gly26Arg; c.76G>A, p.Gly26Arg (NM_001142805.2); short protein forms G26R.
Identifiers: ClinVar variation 643295 (VCV000643295.19), dbSNP rs1233444890, ClinGen allele CA415076138.